The following is an entry in ClinVar:

NM_006180.6(NTRK2):c.839A>T (p.Asn280Ile)

Gene: NTRK2 (neurotrophic receptor tyrosine kinase 2; plus strand). Cytogenetic location: 9q21.33.
Variant type: single nucleotide variant.
Coding change: c.839A>T on transcript NM_006180.6 (MANE Select); coding-DNA position 839, A replaced by T.
Protein change: p.Asn280Ile; replaces asparagine 280 with isoleucine.
Molecular consequence: missense variant.
Genome position (GRCh38, 1-based): chr9:84,724,342, A>T. VCF-style: chr9-84724342-A-T. GRCh37 (hg19) VCF-style: chr9-87339257-A-T.
Other names: c.839A>T, p.Asn280Ile (NM_001369541.1, NM_001369542.1, NM_001369543.1 and 19 more transcripts); c.371A>T, p.Asn124Ile (NM_001369550.1, NM_001369535.1, NM_001369536.1 and 2 more transcripts); short protein forms N124I, N280I.
Identifiers: ClinVar variation 2127839 (VCV002127839.4), dbSNP rs766162328, ClinGen allele CA5105579.

ClinVar aggregate classification (germline): Uncertain significance (1 of 4 stars; one submission).

Allele frequency attached by ClinVar (database versions not stated): ExAC 0.00001.
gnomAD v4.1: 4 of 1,614,122 alleles (0.00025%); highest among the groups gnomAD compares: Non-Finnish European, 0.00034%; no homozygotes.

Submission:

Labcorp Genetics (formerly Invitae), Labcorp
Classification: Uncertain significance. Last evaluated: 2022-05-20. Review status: criteria provided, single submitter. Criteria: Invitae Variant Classification Sherloc (09022015). Collection method: clinical testing. Allele origin: germline.
Comment: This variant is present in population databases (rs766162328, gnomAD 0.0009%). This sequence change replaces asparagine, which is neutral and polar, with isoleucine, which is neutral and non-polar, at codon 280 of the NTRK2 protein (p.Asn280Ile). This variant has not been reported in the literature in individuals affected with NTRK2-related conditions. In summary, the available evidence is currently insufficient to determine the role of this variant in disease. Therefore, it has been classified as a Variant of Uncertain Significance. Algorithms developed to predict the effect of missense changes on protein structure and function are either unavailable or do not agree on the potential impact of this missense change (SIFT: "Deleterious"; PolyPhen-2: "Possibly Damaging"; Align-GVGD: "Class C0").